The following is an entry in ClinVar:

NM_212482.4(FN1):c.2593G>A (p.Val865Ile)

Gene: FN1 (fibronectin 1; minus strand). Cytogenetic location: 2q35.
Variant type: single nucleotide variant.
Coding change: c.2593G>A on transcript NM_212482.4 (MANE Select); coding-DNA position 2593, G replaced by A.
Protein change: p.Val865Ile; replaces valine 865 with isoleucine.
Molecular consequence: missense variant.
Genome position (GRCh38, 1-based): chr2:215,407,247, C>T on the plus strand (G>A on the coding strand, the complement: FN1 is on the minus strand). VCF-style: chr2-215407247-C-T. GRCh37 (hg19) VCF-style: chr2-216271970-C-T.
Other names: c.2593G>A, p.Val865Ile (NM_001306129.2, NM_001306130.2, NM_001306131.2 and 13 more transcripts); c.2593G>A (NM_212482.1); short protein forms V865I.
Identifiers: ClinVar variation 2959428 (VCV002959428.5), dbSNP rs372271954, ClinGen allele CA2094925.
Genomic context (GRCh38, chr2:215,407,247, plus strand): 5'-CTTCCACAGCATAGATAGTGATGTTATACTGAACACCAGGTTGCAAGTCACTGAGGGTGA[C>T]GGAGTTTGCAGTTTCAGGAAGGTTGAGTTCTGTGCTGCTACCTTCTACTGATGGCGAATA-3'
Protein context (NP_997647.2, residues 855-875): ELNLPETANS[Val865Ile]TLSDLQPGVQ

ClinVar aggregate classification (germline): Conflicting classifications of pathogenicity. Review status: criteria provided, conflicting classifications (1 of 4 stars). 3 submissions from 3 submitters: Uncertain significance (1); Likely benign (2). Last evaluated 2024-11-09.

Conditions:
Inborn genetic diseases. Identifiers: MedGen C0950123, MeSH D030342.

Allele frequency attached by ClinVar (database versions not stated): TOPMed 0.00002; gnomAD 0.00004; ExAC 0.00005; ESP Exome Variant Server 0.00015.
gnomAD v4.1: 23 of 1,613,990 alleles (0.0014%); highest among the groups gnomAD compares: African/African-American, 0.0067%; no homozygotes.

Submissions (3):

Ambry Genetics
Classification: Likely benign for Inborn genetic diseases. Last evaluated: 2024-11-09. Review status: criteria provided, single submitter. Criteria: Ambry Variant Classification Scheme 2023. Collection method: clinical testing. Allele origin: germline.

Labcorp Genetics (formerly Invitae), Labcorp
Classification: Uncertain significance. Last evaluated: 2023-10-11. Review status: criteria provided, single submitter. Criteria: Invitae Variant Classification Sherloc (09022015). Collection method: clinical testing. Allele origin: germline.
Comment: This sequence change replaces valine, which is neutral and non-polar, with isoleucine, which is neutral and non-polar, at codon 865 of the FN1 protein (p.Val865Ile). This variant is present in population databases (rs372271954, gnomAD 0.02%). This variant has not been reported in the literature in individuals affected with FN1-related conditions. Advanced modeling of protein sequence and biophysical properties (such as structural, functional, and spatial information, amino acid conservation, physicochemical variation, residue mobility, and thermodynamic stability) performed at Invitae indicates that this missense variant is not expected to disrupt FN1 protein function. In summary, the available evidence is currently insufficient to determine the role of this variant in disease. Therefore, it has been classified as a Variant of Uncertain Significance.

Blueprint Genetics
Classification: Likely benign. Last evaluated: 2022-11-30. Review status: criteria provided, single submitter. Criteria: ACMG Guidelines, 2015. Collection method: clinical testing. Allele origin: germline.